The following is an entry in ClinVar:

NM_025136.4(OPA3):c.122T>G (p.Ile41Ser)

Genes: OPA3 (outer mitochondrial membrane lipid metabolism regulator OPA3; minus strand), OPA3-RTN2 (OPA3-RTN2 readthrough; minus strand). Cytogenetic location: 19q13.32.
Variant type: single nucleotide variant.
Coding change: c.122T>G on transcript NM_025136.4 (MANE Select); coding-DNA position 122, T replaced by G.
Protein change: p.Ile41Ser; replaces isoleucine 41 with serine.
Molecular consequence: missense variant.
Genome position (GRCh38, 1-based): chr19:45,584,643, A>C on the plus strand (T>G on the coding strand, the complement: OPA3 is on the minus strand). VCF-style: chr19-45584643-A-C. GRCh37 (hg19) VCF-style: chr19-46087901-A-C.
Other names: c.122T>G, p.Ile41Ser (NM_001017989.3); short protein forms I41S.
Identifiers: ClinVar variation 3752438 (VCV003752438.2).
Genomic context (GRCh38, chr19:45,584,643, plus strand): 5'-AGAAAGGAAAAAGGTTGGAGGGAATTCGGGTCAGACTCACGTTGAGCCGGCGGGAGGCAG[A>C]TATAGGTCTTGAAGAACTCGCTTCGGCGGGCGGCCTCCTTAATACGGTTGGCAAGCGGCT-3'
Protein context (NP_079412.1, residues 31-51): ARRSEFFKTY[Ile41Ser]CLPPAQLYHW

ClinVar aggregate classification (germline): Uncertain significance (1 of 4 stars; one submission).

Conditions:
Optic atrophy 3 (OPA3). Also called: OPTIC ATROPHY 3, AUTOSOMAL DOMINANT; Optic atrophy, cataract, and neurologic disorder; Optic atrophy 3 with cataract. Identifiers: Orphanet 67036, MedGen C1833809, MONDO:0008133, OMIM 165300.
3-Methylglutaconic aciduria type 3 (MGCA3). Also called: OPA3, AUTOSOMAL RECESSIVE; OPTIC ATROPHY 3, AUTOSOMAL RECESSIVE; OPA3-Related 3-Methylglutaconic Aciduria; Costeff Syndrome. Identifiers: Orphanet 67047, MedGen C0574084, MONDO:0009787, OMIM 258501.

gnomAD v4.1: 1 of 1,614,170 alleles (0.000062%); highest among the groups gnomAD compares: Non-Finnish European, 0.000085%; no homozygotes.

Submission:

Labcorp Genetics (formerly Invitae), Labcorp
Classification: Uncertain significance for 3-Methylglutaconic aciduria type 3; Optic atrophy 3. Last evaluated: 2026-01-07. Review status: criteria provided, single submitter. Criteria: Invitae Variant Classification Sherloc (09022015). Collection method: clinical testing. Allele origin: germline.
Comment: This sequence change replaces isoleucine, which is neutral and non-polar, with serine, which is neutral and polar, at codon 41 of the OPA3 protein (p.Ile41Ser). This variant is not present in population databases (gnomAD no frequency). This variant has not been reported in the literature in individuals affected with OPA3-related conditions. ClinVar contains an entry for this variant (Variation ID: 3752438). An algorithm developed to predict the effect of missense changes on protein structure and function (PolyPhen-2) suggests that this variant is likely to be tolerated. In summary, the available evidence is currently insufficient to determine the role of this variant in disease. Therefore, it has been classified as a Variant of Uncertain Significance.